The following is an entry in ClinVar:

NM_198535.3(ZNF699):c.2T>A (p.Met1Lys)

Gene: ZNF699 (zinc finger protein 699; minus strand). Cytogenetic location: 19p13.2.
Variant type: single nucleotide variant.
Coding change: c.2T>A on transcript NM_198535.3 (MANE Select); coding-DNA position 2, T replaced by A.
Protein change: p.Met1Lys; changes the start codon (methionine 1).
Molecular consequence: missense variant, initiator codon variant.
Genome position (GRCh38, 1-based): chr19:9,305,118, A>T on the plus strand (T>A on the coding strand, the complement: ZNF699 is on the minus strand). VCF-style: chr19-9305118-A-T. GRCh37 (hg19) VCF-style: chr19-9415794-A-T.
Other names: short protein forms M1K.
Identifiers: ClinVar variation 1526142 (VCV001526142.2), dbSNP rs1223668873, ClinGen allele CA403821123.

ClinVar aggregate classification (germline): Uncertain significance (1 of 4 stars; one submission).

Conditions:
DEGCAGS syndrome. Also called: DEVELOPMENTAL DELAY WITH GASTROINTESTINAL, CARDIOVASCULAR, GENITOURINARY, AND SKELETAL ABNORMALITIES. Identifiers: MedGen C5561967, MONDO:0859181, OMIM 619488.

Submission:

3billion
Classification: Uncertain significance for DEGCAGS syndrome. Last evaluated: 2022-03-22. Review status: criteria provided, single submitter. Criteria: ACMG Guidelines, 2015. Collection method: clinical testing. Allele origin: germline. Affected: yes. Observed: 1 homozygote.
Comment: Start-lost: reinitiation of translation may occur at a downstream alternate start codon but still result in a loss or disruption of normal protein function as there have been pathogenic variants reported upstream of the alterante start codon . It is not observed in the gnomAD v2.1.1 dataset. Therefore, this variant is classified as uncertain significance according to the recommendation of ACMG/AMP guideline.